The following is an entry in ClinVar:

ClinVar aggregate classification (germline): Conflicting classifications of pathogenicity. Review status: criteria provided, conflicting classifications (1 of 4 stars). 12 submissions from 11 submitters: Uncertain significance (1); Benign (2); Likely benign (7). 2 of the submissions do not count toward it. Last evaluated 2026-02-04.

Conditions:
FH-related disorder. Also called: FH-related condition; FH-related disorders.
Hereditary cancer-predisposing syndrome. Also called: Hereditary Cancer Syndrome; Tumor predisposition; Neoplastic Syndromes, Hereditary; Hereditary neoplastic syndrome. Identifiers: Orphanet 140162, MedGen C0027672, MeSH D009386, MONDO:0015356.
Hereditary leiomyomatosis and renal cell cancer. Also called: MULTIPLE CUTANEOUS AND UTERINE LEIOMYOMATA 1, WITH OR WITHOUT RENAL CELL CARCINOMA; Multiple cutaneous leiomyomas; Familial leiomyomatosis; FH tumor predisposition syndrome; LEIOMYOMA, MULTIPLE CUTANEOUS; Reed syndrome. Identifiers: Orphanet 523, MedGen C1708350, MONDO:0007888, OMIM 150800, HP:0007437. Disease mechanism: loss of function.
Fumarase deficiency (FMRD). Also called: Fumaric aciduria; Fumarate Hydratase Deficiency. Identifiers: Orphanet 24, MedGen C0342770, MONDO:0011730, OMIM 606812.

Allele frequency attached by ClinVar (database versions not stated): ESP Exome Variant Server 0.00009; gnomAD 0.00010; TOPMed 0.00014.

Submissions (12):

Labcorp Genetics (formerly Invitae), Labcorp
Classification: Likely benign. Last evaluated: 2026-02-04. Review status: criteria provided, single submitter. Criteria: Invitae Variant Classification Sherloc (09022015). Collection method: clinical testing. Allele origin: germline.

Center for Genomic Medicine, Rigshospitalet, Copenhagen University Hospital
Classification: Likely benign. Last evaluated: 2025-03-04. Review status: criteria provided, single submitter. Criteria: ACMG Guidelines, 2015. Collection method: clinical testing. Allele origin: germline.

Blueprint Genetics
Classification: Likely benign. Last evaluated: 2024-11-04. Review status: criteria provided, single submitter. Criteria: ACMG Guidelines, 2015. Collection method: clinical testing. Allele origin: germline.

Myriad Genetics, Inc.
Classification: Benign for Hereditary leiomyomatosis and renal cell cancer. Last evaluated: 2024-10-17. Review status: criteria provided, single submitter. Criteria: Myriad Autosomal Dominant, Autosomal Recessive and X-Linked Classification Criteria (2023). Collection method: clinical testing. Allele origin: unknown.
Comment: This variant is considered benign. This variant is a silent/synonymous amino acid change and it is not expected to impact splicing.

CeGaT Center for Human Genetics Tuebingen
Classification: Likely benign. Last evaluated: 2022-03-01. Review status: criteria provided, single submitter. Criteria: CeGaT Center For Human Genetics Tuebingen Variant Classification Criteria Version 2. Collection method: clinical testing. Allele origin: germline. Affected: yes. Observed: 1 variant allele.
Comment: FH: BP4, BP7

Sema4
Classification: Likely benign for Hereditary cancer-predisposing syndrome. Last evaluated: 2021-07-16. Review status: criteria provided, single submitter. Criteria: Sema4 Curation Guidelines. Collection method: curation. Allele origin: germline.

GeneDx
Classification: Likely benign. Last evaluated: 2021-05-10. Review status: criteria provided, single submitter. Criteria: GeneDx Variant Classification Process June 2021. Collection method: clinical testing. Allele origin: germline. Affected: yes.

Illumina Laboratory Services, Illumina
Classification: Uncertain significance for Fumarase deficiency. Last evaluated: 2018-01-13. Review status: criteria provided, single submitter. Criteria: ICSL Variant Classification Criteria 13 December 2019. Collection method: clinical testing. Allele origin: germline.

Illumina Laboratory Services, Illumina
Classification: Benign for Hereditary leiomyomatosis and renal cell cancer. Last evaluated: 2018-01-13. Review status: criteria provided, single submitter. Criteria: ICSL Variant Classification Criteria 13 December 2019. Collection method: clinical testing. Allele origin: germline.
Comment: This variant was observed in the ICSL laboratory as part of a predisposition screen in an ostensibly healthy population. It had not been previously curated by ICSL or reported in the Human Gene Mutation Database (HGMD: prior to June 1st, 2018), and was therefore a candidate for classification through an automated scoring system. Utilizing variant allele frequency, disease prevalence and penetrance estimates, and inheritance mode, an automated score was calculated to assess if this variant is too frequent to cause the disease. Based on the score and internal cut-off values, a variant classified as benign is not then subjected to further curation. The score for this variant resulted in a classification of benign for this disease.

Ambry Genetics
Classification: Likely benign for Hereditary cancer-predisposing syndrome. Last evaluated: 2016-02-04. Review status: criteria provided, single submitter. Criteria: Ambry Variant Classification Scheme 2023. Collection method: clinical testing. Allele origin: germline.

PreventionGenetics, part of Exact Sciences
Classification: Likely benign for FH-related condition. Last evaluated: 2021-06-30. Review status: no assertion criteria provided. Collection method: clinical testing. Allele origin: germline. Not counted in ClinVar's aggregate classification.
Comment: This variant is classified as likely benign based on ACMG/AMP sequence variant interpretation guidelines (Richards et al. 2015 PMID: 25741868, with internal and published modifications).

Natera, Inc.
Classification: Likely benign for Fumarase deficiency. Last evaluated: 2020-09-16. Review status: no assertion criteria provided. Collection method: clinical testing. Allele origin: germline. Not counted in ClinVar's aggregate classification.

NM_000143.4(FH):c.33G>C (p.Ser11=)

Gene: FH (fumarate hydratase; minus strand). Cytogenetic location: 1q43.
Variant type: single nucleotide variant.
Coding change: c.33G>C on transcript NM_000143.4 (MANE Select); coding-DNA position 33, G replaced by C.
Protein change: p.Ser11=; no amino-acid change (serine 11 retained).
Molecular consequence: synonymous variant.
Genome position (GRCh38, 1-based): chr1:241,519,690, C>G on the plus strand (G>C on the coding strand, the complement: FH is on the minus strand). VCF-style: chr1-241519690-C-G. GRCh37 (hg19) VCF-style: chr1-241682990-C-G.
Identifiers: ClinVar variation 296876 (VCV000296876.57), dbSNP rs200542051, ClinGen allele CA1478783.